The following is an entry in ClinVar:

NM_001372.4(DNAH9):c.7768G>A (p.Val2590Ile)

Gene: DNAH9 (dynein axonemal heavy chain 9; plus strand). Cytogenetic location: 17p12.
Variant type: single nucleotide variant.
Coding change: c.7768G>A on transcript NM_001372.4 (MANE Select); coding-DNA position 7768, G replaced by A.
Protein change: p.Val2590Ile; replaces valine 2590 with isoleucine.
Molecular consequence: missense variant.
Genome position (GRCh38, 1-based): chr17:11,783,695, G>A. VCF-style: chr17-11783695-G-A. GRCh37 (hg19) VCF-style: chr17-11687012-G-A.
Other names: short protein forms V2590I.
Identifiers: ClinVar variation 1994875 (VCV001994875.4), dbSNP rs1202617030, ClinGen allele CA398192239.

ClinVar aggregate classification (germline): Uncertain significance (1 of 4 stars; one submission).

Allele frequency attached by ClinVar (database versions not stated): gnomAD exomes below 0.00001.
gnomAD v4.1: 3 of 1,614,134 alleles (0.00019%); highest among the groups gnomAD compares: South Asian, 0.0022%; no homozygotes.

Submission:

Labcorp Genetics (formerly Invitae), Labcorp
Classification: Uncertain significance. Last evaluated: 2022-06-04. Review status: criteria provided, single submitter. Criteria: Invitae Variant Classification Sherloc (09022015). Collection method: clinical testing. Allele origin: germline.
Comment: This sequence change replaces valine, which is neutral and non-polar, with isoleucine, which is neutral and non-polar, at codon 2590 of the DNAH9 protein (p.Val2590Ile). This variant is present in population databases (no rsID available, gnomAD 0.003%). This variant has not been reported in the literature in individuals affected with DNAH9-related conditions. Algorithms developed to predict the effect of missense changes on protein structure and function output the following: SIFT: "Tolerated"; PolyPhen-2: "Benign"; Align-GVGD: "Class C0". The isoleucine amino acid residue is found in multiple mammalian species, which suggests that this missense change does not adversely affect protein function. In summary, the available evidence is currently insufficient to determine the role of this variant in disease. Therefore, it has been classified as a Variant of Uncertain Significance.